The following is an entry in ClinVar:

ClinVar aggregate classification (germline): Pathogenic/Likely pathogenic. Review status: criteria provided, multiple submitters, no conflicts (2 of 4 stars). 2 submissions from 2 submitters: Pathogenic (1); Likely pathogenic (1). Last evaluated 2022-03-22.

Conditions:
X-linked Alport syndrome (ATS1). Also called: NEPHROPATHY AND DEAFNESS, X-LINKED; COL4A5-Related Nephropathy. Identifiers: Orphanet 63, Orphanet 88917, MedGen C4746986, MONDO:0010520, OMIM 301050.

Submissions (2):

3billion
Classification: Likely pathogenic for X-linked Alport syndrome. Last evaluated: 2022-03-22. Review status: criteria provided, single submitter. Criteria: ACMG Guidelines, 2015. Collection method: clinical testing. Allele origin: germline. Affected: yes. Observed: 1 heterozygote.
Comment: Different pathogenic/likely pathogenic amino acid change has been reported with supporting evidence at the same codon (ClinVar ID: VCV000438707, PMID:17396119). In silico tool predictions suggest damaging effect of the variant on gene or gene product (REVEL: 0.978>=0.6, 3CNET: 0.972>=0.75). A missense variant is a common mechanism associated with Alport syndrome 1, X-linked. It is not observed in the gnomAD v2.1.1 dataset. Therefore, this variant is classified as likely pathogenic according to the recommendation of ACMG/AMP guideline.

Labcorp Genetics (formerly Invitae), Labcorp
Classification: Pathogenic. Last evaluated: 2020-11-27. Review status: criteria provided, single submitter. Criteria: Invitae Variant Classification Sherloc (09022015). Collection method: clinical testing. Allele origin: germline.
Comment: For these reasons, this variant has been classified as Pathogenic. Glycine residues within the Gly-Xaa-Yaa repeats of the triple helix domain are required for the structure and stability of fibrillar collagens (PMID: 7695699, 8218237, 19344236). In COL4A5, missense variants at these glycine residues are significantly enriched in individuals with disease (PMID: 23720012, 27627812) compared to the general population (ExAC). Advanced modeling of protein sequence and biophysical properties (such as structural, functional, and spatial information, amino acid conservation, physicochemical variation, residue mobility, and thermodynamic stability) performed at Invitae indicates that this missense variant is expected to disrupt COL4A5 protein function. This variant has been observed in individual(s) with X-linked Alport syndrome (PMID: 24304881, Invitae). ClinVar contains an entry for this variant (Variation ID: 587245). This variant is not present in population databases (ExAC no frequency). This sequence change replaces glycine with glutamic acid at codon 310 of the COL4A5 protein (p.Gly310Glu). The glycine residue is highly conserved and there is a moderate physicochemical difference between glycine and glutamic acid.

Literature cited by the submitters: PubMed 17396119 (cited by 3billion); PubMed 24304881 (cited by 3billion and Labcorp Genetics (formerly Invitae), Labcorp); PubMed 7695699 (cited by Labcorp Genetics (formerly Invitae), Labcorp); PubMed 8218237 (cited by Labcorp Genetics (formerly Invitae), Labcorp); PubMed 19344236 (cited by Labcorp Genetics (formerly Invitae), Labcorp); PubMed 23720012 (cited by Labcorp Genetics (formerly Invitae), Labcorp); PubMed 27627812 (cited by Labcorp Genetics (formerly Invitae), Labcorp).

NM_033380.3(COL4A5):c.929G>A (p.Gly310Glu)

Gene: COL4A5 (collagen type IV alpha 5 chain; plus strand). Cytogenetic location: Xq22.3.
Variant type: single nucleotide variant.
Coding change: c.929G>A on transcript NM_033380.3 (MANE Select); coding-DNA position 929, G replaced by A.
Protein change: p.Gly310Glu; replaces glycine 310 with glutamic acid.
Molecular consequence: missense variant.
Genome position (GRCh38, 1-based): chrX:108,581,020, G>A. VCF-style: chrX-108581020-G-A. GRCh37 (hg19) VCF-style: chrX-107824250-G-A.
Other names: c.929G>A, p.Gly310Glu (NM_000495.5); short protein forms G310E.
Identifiers: ClinVar variation 1455625 (VCV001455625.9), dbSNP rs1556407064, ClinGen allele CA413927026.